The following is an entry in ClinVar:

ClinVar aggregate classification (germline): Uncertain significance (1 of 4 stars; one submission).

Allele frequency attached by ClinVar (database versions not stated): TOPMed below 0.00001; ExAC 0.00001; gnomAD 0.00001.
gnomAD v4.1: 8 of 1,612,630 alleles (0.0005%); highest among the groups gnomAD compares: African/African-American, 0.0013%; no homozygotes.

Submission:

Labcorp Genetics (formerly Invitae), Labcorp
Classification: Uncertain significance. Last evaluated: 2024-03-19. Review status: criteria provided, single submitter. Criteria: Invitae Variant Classification Sherloc (09022015). Collection method: clinical testing. Allele origin: germline.
Comment: This sequence change replaces proline, which is neutral and non-polar, with alanine, which is neutral and non-polar, at codon 439 of the TRIM8 protein (p.Pro439Ala). This variant is present in population databases (rs765589935, gnomAD 0.0009%). This variant has not been reported in the literature in individuals affected with TRIM8-related conditions. ClinVar contains an entry for this variant (Variation ID: 2417632). An algorithm developed to predict the effect of missense changes on protein structure and function (PolyPhen-2) suggests that this variant¬†is likely to be tolerated. In summary, the available evidence is currently insufficient to determine the role of this variant in disease. Therefore, it has been classified as a Variant of Uncertain Significance.

NM_030912.3(TRIM8):c.1315C>G (p.Pro439Ala)

Gene: TRIM8 (tripartite motif containing 8; plus strand). Cytogenetic location: 10q24.32.
Variant type: single nucleotide variant.
Coding change: c.1315C>G on transcript NM_030912.3 (MANE Select); coding-DNA position 1315, C replaced by G.
Protein change: p.Pro439Ala; replaces proline 439 with alanine.
Molecular consequence: missense variant. On other transcripts: non-coding transcript variant (1).
Genome position (GRCh38, 1-based): chr10:102,657,013, C>G. VCF-style: chr10-102657013-C-G. GRCh37 (hg19) VCF-style: chr10-104416770-C-G.
Other names: c.1219C>G, p.Pro407Ala (NM_001345950.1); short protein forms P407A, P439A.
Identifiers: ClinVar variation 2417632 (VCV002417632.5), dbSNP rs765589935, ClinGen allele CA5668300.